The following is an entry in ClinVar:

NM_005138.3(SCO2):c.752_753insTA (p.Asp252fs)

Genes: NCAPH2 (non-SMC condensin II complex subunit H2; plus strand), SCO2 (synthesis of cytochrome C oxidase 2; minus strand). Cytogenetic location: 22q13.33.
Variant type: Insertion.
Coding change: c.752_753insTA on transcript NM_005138.3 (MANE Select); coding-DNA positions 752 to 753, TA inserted.
Protein change: p.Asp252fs; shifts the reading frame from aspartic acid 252.
Molecular consequence: frameshift variant. On other transcripts: 3 prime UTR variant (2).
Genome position: GRCh38 VCF-style: chr22-50523659-T-TTA. GRCh37 (hg19) VCF-style: chr22-50962088-T-TTA.
Other names: c.*284_*285insTA (NM_001185011.2, NM_152299.4); c.752_753insTA, p.Asp252fs (NM_001169109.2, NM_001169110.1, NM_001169111.2); short protein forms D252fs.
Identifiers: ClinVar variation 2092435 (VCV002092435.4), dbSNP rs2522465022, ClinGen allele CA2580099937.

ClinVar aggregate classification (germline): Uncertain significance (1 of 4 stars; one submission).

Submission:

Labcorp Genetics (formerly Invitae), Labcorp
Classification: Uncertain significance. Last evaluated: 2022-09-12. Review status: criteria provided, single submitter. Criteria: Invitae Variant Classification Sherloc (09022015). Collection method: clinical testing. Allele origin: germline.
Comment: In summary, the available evidence is currently insufficient to determine the role of this variant in disease. Therefore, it has been classified as a Variant of Uncertain Significance. This variant disrupts a region of the SCO2 protein in which other variant(s) (p.Met258Thr) have been observed in individuals with SCO2-related conditions (PMID: 26741492). This suggests that this is a clinically significant region of the protein, and that variants that disrupt it are likely to be disease-causing. Experimental studies and prediction algorithms are not available or were not evaluated, and the functional significance of this variant is currently unknown. This variant has not been reported in the literature in individuals affected with SCO2-related conditions. This variant is not present in population databases (gnomAD no frequency). This sequence change results in a frameshift in the SCO2 gene (p.Asp252Lysfs*26). While this is not anticipated to result in nonsense mediated decay, it is expected to disrupt the last 15 amino acid(s) of the SCO2 protein and extend the protein by 10 additional amino acid residues.

Literature cited by the submitters: PubMed 26741492.